The following is an entry in ClinVar:

ClinVar aggregate classification (germline): Pathogenic (1 of 4 stars; one submission).

Conditions:
MHC class II deficiency. Also called: BLS, TYPE II; Bare lymphocyte syndrome 2. Identifiers: Orphanet 572, MedGen C5447452, MONDO:0008855.

Allele frequency attached by ClinVar (database versions not stated): gnomAD exomes below 0.00001.
gnomAD v4.1: 1 of 1,613,478 alleles (0.000062%); highest among the groups gnomAD compares: Non-Finnish European, 0.000085%; no homozygotes.

Submission:

Labcorp Genetics (formerly Invitae), Labcorp
Classification: Pathogenic for MHC class II deficiency. Last evaluated: 2020-06-09. Review status: criteria provided, single submitter. Criteria: Invitae Variant Classification Sherloc (09022015). Collection method: clinical testing. Allele origin: germline.
Comment: This sequence change creates a premature translational stop signal (p.Gln573*) in the CIITA gene. It is expected to result in an absent or disrupted protein product. This variant is not present in population databases (ExAC no frequency). This variant has not been reported in the literature in individuals with CIITA-related conditions. Algorithms developed to predict the effect of sequence changes on RNA splicing suggest that this variant may create or strengthen a splice site, but this prediction has not been confirmed by published transcriptional studies. Loss-of-function variants in CIITA are known to be pathogenic (PMID: 8402893, 9099848, 26271388). For these reasons, this variant has been classified as Pathogenic.

Literature cited by the submitters: PubMed 8402893; PubMed 9099848; PubMed 26271388.

NM_000246.4(CIITA):c.1717C>T (p.Gln573Ter)

Gene: CIITA (class II major histocompatibility complex transactivator; plus strand). Cytogenetic location: 16p13.13.
Variant type: single nucleotide variant.
Coding change: c.1717C>T on transcript NM_000246.4 (MANE Select); coding-DNA position 1717, C replaced by T.
Protein change: p.Gln573Ter; replaces glutamine 573 with a stop codon.
Molecular consequence: nonsense. On other transcripts: intron variant (1).
Genome position (GRCh38, 1-based): chr16:10,907,209, C>T. VCF-style: chr16-10907209-C-T. GRCh37 (hg19) VCF-style: chr16-11001066-C-T.
Other names: c.1720C>T, p.Gln574Ter (NM_001286402.1, NM_001379332.1); c.1573C>T, p.Gln525Ter (NM_001379330.1); c.1570C>T, p.Gln524Ter (NM_001379331.1); c.1717C>T, p.Gln573Ter (NM_001379333.1); c.1648C>T, p.Gln550Ter (NM_001379334.1); c.860-1774C>T (NM_001286403.2); short protein forms Q524*, Q525*, Q550*, Q573*, Q574*.
Identifiers: ClinVar variation 1072919 (VCV001072919.7), dbSNP rs2144718631, ClinGen allele CA394731577.
Genomic context (GRCh38, chr16:10,907,209, plus strand): 5'-CTGGTCCAGAGCCTGAGCAAGGCCGACGCCCTATTTGAGCTGTCCGGCTTCTCCATGGAG[C>T]AGGCCCAGGCATACGTGATGCGCTACTTTGAGAGCTCAGGGATGACAGAGCACCAAGACA-3'